The following is an entry in ClinVar:

NM_024652.6(LRRK1):c.6029G>A (p.Cys2010Tyr)

Genes: LRRK1 (leucine rich repeat kinase 1; plus strand), LRRK1-AS1 (LRRK1 antisense RNA 1; minus strand). Cytogenetic location: 15q26.3.
Variant type: single nucleotide variant.
Coding change: c.6029G>A on transcript NM_024652.6 (MANE Select); coding-DNA position 6029, G replaced by A.
Protein change: p.Cys2010Tyr; replaces cysteine 2010 with tyrosine.
Molecular consequence: missense variant.
Genome position (GRCh38, 1-based): chr15:101,068,829, G>A. VCF-style: chr15-101068829-G-A. GRCh37 (hg19) VCF-style: chr15-101609034-G-A.
Other names: short protein forms C2010Y.
Identifiers: ClinVar variation 2011464 (VCV002011464.4), dbSNP rs2505534233, ClinGen allele CA393964804.

ClinVar aggregate classification (germline): Uncertain significance (1 of 4 stars; one submission).

Submission:

Labcorp Genetics (formerly Invitae), Labcorp
Classification: Uncertain significance. Last evaluated: 2022-06-27. Review status: criteria provided, single submitter. Criteria: Invitae Variant Classification Sherloc (09022015). Collection method: clinical testing. Allele origin: germline.
Comment: In summary, the available evidence is currently insufficient to determine the role of this variant in disease. Therefore, it has been classified as a Variant of Uncertain Significance. Algorithms developed to predict the effect of missense changes on protein structure and function output the following: SIFT: "Tolerated"; PolyPhen-2: "Benign"; Align-GVGD: "Class C0". The tyrosine amino acid residue is found in multiple mammalian species, which suggests that this missense change does not adversely affect protein function. This variant has not been reported in the literature in individuals affected with LRRK1-related conditions. This variant is not present in population databases (gnomAD no frequency). This sequence change replaces cysteine, which is neutral and slightly polar, with tyrosine, which is neutral and polar, at codon 2010 of the LRRK1 protein (p.Cys2010Tyr).